The following is an entry in ClinVar:

ClinVar aggregate classification (germline): Uncertain significance (1 of 4 stars; one submission).

Submission:

Labcorp Genetics (formerly Invitae), Labcorp
Classification: Uncertain significance. Last evaluated: 2022-11-22. Review status: criteria provided, single submitter. Criteria: Invitae Variant Classification Sherloc (09022015). Collection method: clinical testing. Allele origin: germline.
Comment: In summary, the available evidence is currently insufficient to determine the role of this variant in disease. Therefore, it has been classified as a Variant of Uncertain Significance. Variants that disrupt the consensus splice site are a relatively common cause of aberrant splicing (PMID: 17576681, 9536098). Algorithms developed to predict the effect of sequence changes on RNA splicing suggest that this variant may create or strengthen a splice site. This variant has not been reported in the literature in individuals affected with POLE-related conditions. This variant is not present in population databases (gnomAD no frequency). This sequence change falls in intron 1 of the POLE gene. It does not directly change the encoded amino acid sequence of the POLE protein. It affects a nucleotide within the consensus splice site.

Literature cited by the submitters: PubMed 17576681; PubMed 9536098.

NM_006231.4(POLE):c.62+4del

Genes: POLE (DNA polymerase epsilon, catalytic subunit; minus strand), LOC130009266 (ATAC-STARR-seq lymphoblastoid silent region 5123; plus strand). Cytogenetic location: 12q24.33.
Variant type: Deletion.
Coding change: c.62+4del on transcript NM_006231.4 (MANE Select); 4 bases into the intron after coding-DNA position 62, one base deleted (A; older notation c.62+4delA).
Molecular consequence: intron variant.
Genome position (GRCh38, 1-based): chr12:132,687,250, T deleted on the plus strand (A on the coding strand, the reverse complement: POLE is on the minus strand). VCF-style (leftmost placement, unchanged base first): chr12-132687249-CT-C. GRCh37 (hg19) VCF-style: chr12-133263835-CT-C.
Identifiers: ClinVar variation 2102822 (VCV002102822.4), dbSNP rs2542221551, ClinGen allele CA2580086152.